The following is an entry in ClinVar:

NM_198253.3(TERT):c.2551A>G (p.Asn851Asp)

Gene: TERT (telomerase reverse transcriptase; minus strand). Cytogenetic location: 5p15.33.
Variant type: single nucleotide variant.
Coding change: c.2551A>G on transcript NM_198253.3 (MANE Select); coding-DNA position 2551, A replaced by G.
Protein change: p.Asn851Asp; replaces asparagine 851 with aspartic acid.
Molecular consequence: missense variant. On other transcripts: non-coding transcript variant (2).
Genome position (GRCh38, 1-based): chr5:1,268,551, T>C on the plus strand (A>G on the coding strand, the complement: TERT is on the minus strand). VCF-style: chr5-1268551-T-C. GRCh37 (hg19) VCF-style: chr5-1268666-T-C.
Other names: c.2551A>G, p.Asn851Asp (NM_003219.1, NM_001193376.3); short protein forms N851D.
Identifiers: ClinVar variation 1792954 (VCV001792954.2), dbSNP rs2478180500, ClinGen allele CA359074448.

ClinVar aggregate classification (germline): Uncertain significance (1 of 4 stars; one submission).

Conditions:
Dyskeratosis congenita. Identifiers: Orphanet 1775, MedGen C0265965, MONDO:0015780.

Submission:

Ambry Genetics
Classification: Uncertain significance for Dyskeratosis congenita. Last evaluated: 2022-08-29. Review status: criteria provided, single submitter. Criteria: Ambry Variant Classification Scheme 2023. Collection method: clinical testing. Allele origin: germline.
Comment: The p.N851D variant (also known as c.2551A>G), located in coding exon 9 of the TERT gene, results from an A to G substitution at nucleotide position 2551. The asparagine at codon 851 is replaced by aspartic acid, an amino acid with highly similar properties. This amino acid position is conserved. In addition, this alteration is predicted to be tolerated by in silico analysis. Since supporting evidence is limited at this time, the clinical significance of this alteration remains unclear.